The following is an entry in ClinVar:

ClinVar aggregate classification (germline): Uncertain significance (1 of 4 stars; one submission).

Conditions:
Inborn genetic diseases. Identifiers: MedGen C0950123, MeSH D030342.

gnomAD v4.1: 4 of 1,613,770 alleles (0.00025%); highest among the groups gnomAD compares: South Asian, 0.0044%; no homozygotes.

Submission:

Ambry Genetics
Classification: Uncertain significance for Inborn genetic diseases. Last evaluated: 2024-08-04. Review status: criteria provided, single submitter. Criteria: Ambry Variant Classification Scheme 2023. Collection method: clinical testing. Allele origin: germline.
Comment: The p.C804S variant (also known as c.2411G>C), located in coding exon 19 of the LRRK2 gene, results from a G to C substitution at nucleotide position 2411. The cysteine at codon 804 is replaced by serine, an amino acid with dissimilar properties. This amino acid position is conserved. In addition, this alteration is predicted to be deleterious by in silico analysis. Based on the available evidence, the clinical significance of this variant remains unclear.

NM_198578.4(LRRK2):c.2411G>C (p.Cys804Ser)

Gene: LRRK2 (leucine rich repeat kinase 2; plus strand). Cytogenetic location: 12q12.
Variant type: single nucleotide variant.
Coding change: c.2411G>C on transcript NM_198578.4 (MANE Select); coding-DNA position 2411, G replaced by C.
Protein change: p.Cys804Ser; replaces cysteine 804 with serine.
Molecular consequence: missense variant.
Genome position (GRCh38, 1-based): chr12:40,284,044, G>C. VCF-style: chr12-40284044-G-C. GRCh37 (hg19) VCF-style: chr12-40677846-G-C.
Other names: short protein forms C804S.
Identifiers: ClinVar variation 3540536 (VCV003540536.1).